The following is an entry in ClinVar:

ClinVar aggregate classification (germline): Conflicting classifications of pathogenicity. Review status: criteria provided, conflicting classifications (1 of 4 stars). 3 submissions from 3 submitters: Uncertain significance (1); Likely benign (2). Last evaluated 2026-06-01.

Allele frequency attached by ClinVar (database versions not stated): gnomAD 0.00002; TOPMed 0.00004; ESP Exome Variant Server 0.00009.
gnomAD v4.1: 42 of 1,205,203 alleles (0.0035%); highest among the groups gnomAD compares: South Asian, 0.057%; no homozygotes.

Submissions (3):

CeGaT Center for Human Genetics Tuebingen
Classification: Likely benign. Last evaluated: 2026-06-01. Review status: criteria provided, single submitter. Criteria: CeGaT Center For Human Genetics Tuebingen Variant Classification Criteria Version 2. Collection method: clinical testing. Allele origin: germline. Affected: yes. Observed: 1 variant allele.
Comment: KIF4A: BS2

Ambry Genetics
Classification: Uncertain significance. Last evaluated: 2023-05-23. Review status: criteria provided, single submitter. Criteria: Ambry Variant Classification Scheme 2023. Collection method: clinical testing. Allele origin: germline.

Blueprint Genetics
Classification: Likely benign. Last evaluated: 2022-10-14. Review status: criteria provided, single submitter. Criteria: ACMG Guidelines, 2015. Collection method: clinical testing. Allele origin: germline.

NM_012310.5(KIF4A):c.3359G>A (p.Arg1120His)

Gene: KIF4A (kinesin family member 4A; plus strand). Cytogenetic location: Xq13.1.
Variant type: single nucleotide variant.
Coding change: c.3359G>A on transcript NM_012310.5 (MANE Select); coding-DNA position 3359, G replaced by A.
Protein change: p.Arg1120His; replaces arginine 1120 with histidine.
Molecular consequence: missense variant.
Genome position (GRCh38, 1-based): chrX:70,417,991, G>A. VCF-style: chrX-70417991-G-A. GRCh37 (hg19) VCF-style: chrX-69637841-G-A.
Other names: short protein forms R1120H.
Identifiers: ClinVar variation 2511577 (VCV002511577.5), dbSNP rs149300695, ClinGen allele CA10441474.